The following is an entry in ClinVar:

ClinVar aggregate classification (germline): Benign/Likely benign. Review status: criteria provided, multiple submitters, no conflicts (2 of 4 stars). 4 submissions from 3 submitters: Benign (3); Likely benign (1). Last evaluated 2018-06-28.

Conditions:
WFS1-Related Spectrum Disorders.
Autosomal dominant nonsyndromic hearing loss 6 (LFSNHL). Also called: DEAFNESS, AUTOSOMAL DOMINANT 6; DEAFNESS, AUTOSOMAL DOMINANT 14; DEAFNESS, AUTOSOMAL DOMINANT 38; Autosomal dominant nonsyndromic deafness 6; DIDMOAD (Diabetes Insipidus, Diabetes Mellitus, Optic Atrophy, and Deafness). Identifiers: Orphanet 90635, MedGen C1833021, MONDO:0010963, OMIM 600965.
Wolfram syndrome 1 (WFS1). Identifiers: Orphanet 3463, MedGen C4551693, MONDO:0009101, OMIM 222300.

Allele frequency attached by ClinVar (database versions not stated): 1000 Genomes Project 30x 0.00593; 1000 Genomes Project 0.00599; TOPMed 0.01031; gnomAD 0.01193 and 0.01227.
gnomAD v4.1: 22,005 of 1,361,700 alleles (1.6%); highest among the groups gnomAD compares: Non-Finnish European, 1.9%; 224 homozygotes.

Submissions (4):

GeneDx
Classification: Likely benign. Last evaluated: 2018-06-28. Review status: criteria provided, single submitter. Criteria: GeneDx Variant Classification Process June 2021. Collection method: clinical testing. Allele origin: germline. Affected: yes.

Illumina Laboratory Services, Illumina
Classification: Benign for WFS1-Related Spectrum Disorders. Last evaluated: 2018-01-13. Review status: criteria provided, single submitter. Criteria: ICSL Variant Classification Criteria 13 December 2019. Collection method: clinical testing. Allele origin: germline.
Comment: This variant was observed in the ICSL laboratory as part of a predisposition screen in an ostensibly healthy population. It had not been previously curated by ICSL or reported in the Human Gene Mutation Database (HGMD: prior to June 1st, 2018), and was therefore a candidate for classification through an automated scoring system. Utilizing variant allele frequency, disease prevalence and penetrance estimates, and inheritance mode, an automated score was calculated to assess if this variant is too frequent to cause the disease. Based on the score and internal cut-off values, a variant classified as benign is not then subjected to further curation. The score for this variant resulted in a classification of benign for this disease.

Illumina Laboratory Services, Illumina
Classification: Benign for Autosomal dominant nonsyndromic hearing loss 6. Last evaluated: 2018-01-13. Review status: criteria provided, single submitter. Criteria: ICSL Variant Classification Criteria 13 December 2019. Collection method: clinical testing. Allele origin: germline.
Comment: the same text as in the submission from Illumina Laboratory Services, Illumina above.

Clinical Genomics, Uppaluri K&H Personalized Medicine Clinic
Classification: Benign for Wolfram syndrome 1. Review status: criteria provided, single submitter. Criteria: K & H Uppaluri Personalized Medicine Clinic Variant Classification & Assertion Criteria_Updated V.1. Collection method: research. Allele origin: unknown. Inheritance: Autosomal recessive inheritance.
Comment: Potent mutations in WFS1 gene are associated with Wolfram's syndrome, an autosomal recessive condition, which cause diabetes mellitus, diabetes insipidus, deafness and optic atrophy.However no sufficient evidence is found to ascertain the role of this particular variant rs55993016 in Wolfram's syndrome yet.

Literature cited by the submitters: PubMed 20738327 (cited by Clinical Genomics, Uppaluri K&H Personalized Medicine Clinic); PubMed 33879153 (cited by Clinical Genomics, Uppaluri K&H Personalized Medicine Clinic); PubMed 12955714 (cited by Clinical Genomics, Uppaluri K&H Personalized Medicine Clinic); PubMed 18060660 (cited by Clinical Genomics, Uppaluri K&H Personalized Medicine Clinic); PubMed 20301750 (cited by Clinical Genomics, Uppaluri K&H Personalized Medicine Clinic); PubMed 17603484 (cited by Clinical Genomics, Uppaluri K&H Personalized Medicine Clinic).

NM_006005.3(WFS1):c.*131C>T

Gene: WFS1 (wolframin ER transmembrane glycoprotein; plus strand). Cytogenetic location: 4p16.1.
Variant type: single nucleotide variant.
Coding change: c.*131C>T on transcript NM_006005.3 (MANE Select); 131 bases downstream of the stop codon, C replaced by T.
Molecular consequence: 3 prime UTR variant.
Genome position (GRCh38, 1-based): chr4:6,302,599, C>T. VCF-style: chr4-6302599-C-T. GRCh37 (hg19) VCF-style: chr4-6304326-C-T.
Other names: c.*131C>T (NM_001145853.1).
Identifiers: ClinVar variation 349336 (VCV000349336.8), dbSNP rs55993016, ClinGen allele CA10621479.
Genomic context (GRCh38, chr4:6,302,599, plus strand): 5'-ACAGGCATGCACCAGTGCCGCCTGTGCCCACGTGTGCAGACTGTGGCTGCAGAGACCTTG[C>T]GACCATGTGTAGATTGCGTGGACCCCGACAAAGGGAAGGCTGCTGTGTAGCTCTGTCCAC-3'